The following is an entry in ClinVar:

ClinVar aggregate classification (germline): Likely benign (1 of 4 stars; one submission).

gnomAD v4.1: 17 of 1,610,558 alleles (0.0011%); highest among the groups gnomAD compares: Non-Finnish European, 0.0014%; no homozygotes.

Submission:

CeGaT Center for Human Genetics Tuebingen
Classification: Likely benign. Last evaluated: 2024-09-01. Review status: criteria provided, single submitter. Criteria: CeGaT Center For Human Genetics Tuebingen Variant Classification Criteria Version 2. Collection method: clinical testing. Allele origin: germline. Affected: yes. Observed: 1 variant allele.
Comment: DOCK3: BP4, BP7

NM_004947.5(DOCK3):c.2766G>A (p.Ser922=)

Gene: DOCK3 (dedicator of cytokinesis 3; plus strand). Cytogenetic location: 3p21.2.
Variant type: single nucleotide variant.
Coding change: c.2766G>A on transcript NM_004947.5 (MANE Select); coding-DNA position 2766, G replaced by A.
Protein change: p.Ser922=; no amino-acid change (serine 922 retained).
Molecular consequence: synonymous variant.
Genome position (GRCh38, 1-based): chr3:51,277,697, G>A. VCF-style: chr3-51277697-G-A. GRCh37 (hg19) VCF-style: chr3-51315128-G-A.
Identifiers: ClinVar variation 3389791 (VCV003389791.14).